The following is an entry in ClinVar:

NM_000038.6(APC):c.3735G>A (p.Lys1245=)

Gene: APC (APC regulator of Wnt signaling pathway; plus strand). Cytogenetic location: 5q22.2.
Variant type: single nucleotide variant.
Coding change: c.3735G>A on transcript NM_000038.6 (MANE Select); coding-DNA position 3735, G replaced by A.
Protein change: p.Lys1245=; no amino-acid change (lysine 1245 retained).
Molecular consequence: synonymous variant. On other transcripts: non-coding transcript variant (2).
Genome position (GRCh38, 1-based): chr5:112,839,329, G>A. VCF-style: chr5-112839329-G-A. GRCh37 (hg19) VCF-style: chr5-112175026-G-A.
Other names: c.3735G>A, p.Lys1245= (NM_001127510.3, NM_001354895.2, NM_001407450.1); c.3681G>A, p.Lys1227= (NM_001127511.3); c.3789G>A, p.Lys1263= (NM_001354896.2, NM_001407447.1, NM_001407448.1 and 1 more transcripts); c.3765G>A, p.Lys1255= (NM_001354897.2); c.3660G>A, p.Lys1220= (NM_001354898.2); c.3651G>A, p.Lys1217= (NM_001354899.2); c.3612G>A, p.Lys1204= (NM_001354900.2); c.3558G>A, p.Lys1186= (NM_001354901.2, NM_001407453.1); and 11 more.
Identifiers: ClinVar variation 3148237 (VCV003148237.2), dbSNP rs1765505976, ClinGen allele CA445963995.

ClinVar aggregate classification (germline): Benign/Likely benign. Review status: criteria provided, multiple submitters, no conflicts (2 of 4 stars). 2 submissions from 2 submitters: Benign (1); Likely benign (1). Last evaluated 2025-11-14.

Conditions:
Familial adenomatous polyposis 1 (FAP1). Also called: POLYPOSIS, ADENOMATOUS INTESTINAL; FAMILIAL ADENOMATOUS POLYPOSIS 1, ATTENUATED. Identifiers: MedGen C2713442, MONDO:0021056, OMIM 175100. Disease mechanism: loss of function.

Submissions (2):

Labcorp Genetics (formerly Invitae), Labcorp
Classification: Likely benign for Familial adenomatous polyposis 1. Last evaluated: 2025-11-14. Review status: criteria provided, single submitter. Criteria: Invitae Variant Classification Sherloc (09022015). Collection method: clinical testing. Allele origin: germline.

Myriad Genetics, Inc.
Classification: Benign for Familial adenomatous polyposis 1. Last evaluated: 2024-03-22. Review status: criteria provided, single submitter. Criteria: Myriad Autosomal Dominant, Autosomal Recessive and X-Linked Classification Criteria (2023). Collection method: clinical testing. Allele origin: unknown.
Comment: This variant is considered benign. This variant is a silent/synonymous amino acid change and it is not expected to impact splicing.